The following is an entry in ClinVar:

ClinVar aggregate classification (germline): Likely benign (1 of 4 stars; one submission).

Conditions:
CACNA1G-related disorder. Also called: CACNA1G-related disorders; CACNA1G-related condition.

Submission:

PreventionGenetics, part of Exact Sciences
Classification: Likely benign for CACNA1G-related condition. Last evaluated: 2025-11-21. Review status: criteria provided, single submitter. Criteria: ACMG Guidelines, 2015. Collection method: clinical testing. Allele origin: germline.
Comment: This variant is classified as likely benign based on ACMG/AMP sequence variant interpretation guidelines (Richards et al. 2015 PMID: 25741868, with internal and published modifications).

NM_018896.5(CACNA1G):c.3399G>A (p.Ser1133=)

Gene: CACNA1G (calcium voltage-gated channel subunit alpha1 G; plus strand). Cytogenetic location: 17q21.33.
Variant type: single nucleotide variant.
Coding change: c.3399G>A on transcript NM_018896.5 (MANE Select); coding-DNA position 3399, G replaced by A.
Protein change: p.Ser1133=; no amino-acid change (serine 1133 retained).
Molecular consequence: synonymous variant. On other transcripts: non-coding transcript variant (5).
Genome position (GRCh38, 1-based): chr17:50,599,568, G>A. VCF-style: chr17-50599568-G-A. GRCh37 (hg19) VCF-style: chr17-48676929-G-A.
Other names: c.3399G>A, p.Ser1133= (NM_001256324.2, NM_001256325.2, NM_001256326.2 and 16 more transcripts); c.3330G>A, p.Ser1110= (NM_001256332.2, NM_198376.3, NM_198379.3 and 5 more transcripts).
Identifiers: ClinVar variation 4979172 (VCV004979172.1).